The following is an entry in ClinVar:

ClinVar aggregate classification (germline): Likely pathogenic (1 of 4 stars; one submission).

Conditions:
Intellectual developmental disorder, autosomal dominant 45. Also called: MENTAL RETARDATION, AUTOSOMAL DOMINANT 45; Intellectual disability, autosomal dominant 45. Identifiers: MedGen C4539848, MONDO:0030910, OMIM 617600.

Submission:

MGZ Medical Genetics Center
Classification: Likely pathogenic for Intellectual developmental disorder, autosomal dominant 45. Last evaluated: 2021-09-20. Review status: criteria provided, single submitter. Criteria: ACMG Guidelines, 2015. Collection method: clinical testing. Allele origin: germline. Affected: yes. Observed: 1 variant allele.
Comment: ACMG criteria applied: PVS1, PM2_SUP

NM_001386298.1(CIC):c.1026dup (p.Trp343fs)

Gene: CIC (capicua transcriptional repressor; plus strand). Cytogenetic location: 19q13.2.
Variant type: Duplication.
Coding change: c.1026dup on transcript NM_001386298.1 (MANE Select); coding-DNA position 1026, one base duplicated (C; older notation c.1026dupC).
Protein change: p.Trp343fs; shifts the reading frame from tryptophan 343.
Molecular consequence: frameshift variant.
Genome position (GRCh38, 1-based): chr19:42,272,809, C duplicated; the last of 7 consecutive C bases (chr19:42,272,803-42,272,809); duplicating any one gives the same sequence. VCF-style (leftmost placement, unchanged base first): chr19-42272802-G-GC. GRCh37 (hg19) VCF-style: chr19-42776954-G-GC.
Other names: c.1026dup, p.Trp343fs (NM_001304815.2, NM_001379480.1, NM_001379482.1); c.1026dup, p.Trp343Leufs (NM_001379483.1); short protein forms W343fs.
Identifiers: ClinVar variation 1709980 (VCV001709980.2), dbSNP rs2513599364, ClinGen allele CA633472544.